The following is an entry in ClinVar:

ClinVar aggregate classification (germline): Conflicting classifications of pathogenicity. Review status: criteria provided, conflicting classifications (1 of 4 stars). 4 submissions from 4 submitters: Uncertain significance (1); Benign (1); Likely benign (2). Last evaluated 2025-09-14.

Conditions:
Retinal cone dystrophy 4 (RCD4). Identifiers: Orphanet 1872, MedGen C1864849, MONDO:0012507, OMIM 610478.

Allele frequency attached by ClinVar (database versions not stated): ESP Exome Variant Server 0.00008; TOPMed 0.00039; 1000 Genomes Project 30x 0.00094; 1000 Genomes Project 0.00120.
gnomAD v4.1: 628 of 1,613,636 alleles (0.039%); highest among the groups gnomAD compares: South Asian, 0.34%; 9 homozygotes.

Submissions (4):

Labcorp Genetics (formerly Invitae), Labcorp
Classification: Benign. Last evaluated: 2025-09-14. Review status: criteria provided, single submitter. Criteria: Invitae Variant Classification Sherloc (09022015). Collection method: clinical testing. Allele origin: germline.

Blueprint Genetics
Classification: Likely benign. Last evaluated: 2024-09-09. Review status: criteria provided, single submitter. Criteria: ACMG Guidelines, 2015. Collection method: clinical testing. Allele origin: germline.

Illumina Laboratory Services, Illumina
Classification: Likely benign for Retinal cone dystrophy 4. Last evaluated: 2018-01-13. Review status: criteria provided, single submitter. Criteria: ICSL Variant Classification Criteria 13 December 2019. Collection method: clinical testing. Allele origin: germline.
Comment: This variant was observed in the ICSL laboratory as part of a predisposition screen in an ostensibly healthy population. It had not been previously curated by ICSL or reported in the Human Gene Mutation Database (HGMD: prior to June 1st, 2018), and was therefore a candidate for classification through an automated scoring system. Utilizing variant allele frequency, disease prevalence and penetrance estimates, and inheritance mode, an automated score was calculated to assess if this variant is too frequent to cause the disease. Based on the score and internal cut-off values, a variant classified as likely benign is not then subjected to further curation. The score for this variant resulted in a classification of likely benign for this disease.

Eurofins Ntd Llc (ga)
Classification: Uncertain significance. Last evaluated: 2016-07-05. Review status: criteria provided, single submitter. Criteria: EGL Classification Definitions 2015. Collection method: clinical testing. Allele origin: germline. Observed: 1 variant allele, 1 heterozygote.

NM_172364.5(CACNA2D4):c.1239G>A (p.Pro413=)

Gene: CACNA2D4 (calcium voltage-gated channel auxiliary subunit alpha2delta 4; minus strand). Cytogenetic location: 12p13.33.
Variant type: single nucleotide variant.
Coding change: c.1239G>A on transcript NM_172364.5 (MANE Select); coding-DNA position 1239, G replaced by A.
Protein change: p.Pro413=; no amino-acid change (proline 413 retained).
Molecular consequence: synonymous variant.
Genome position (GRCh38, 1-based): chr12:1,884,801, C>T on the plus strand (G>A on the coding strand, the complement: CACNA2D4 is on the minus strand). VCF-style: chr12-1884801-C-T. GRCh37 (hg19) VCF-style: chr12-1993967-C-T.
Identifiers: ClinVar variation 288899 (VCV000288899.20), dbSNP rs201783863, ClinGen allele CA6387215.